The following is an entry in ClinVar:

NM_000059.4(BRCA2):c.7992T>A (p.Ile2664=)

Gene: BRCA2 (BRCA2 DNA repair associated; plus strand). Cytogenetic location: 13q13.1.
Variant type: single nucleotide variant.
Coding change: c.7992T>A on transcript NM_000059.4 (MANE Select); coding-DNA position 7992, T replaced by A.
Protein change: p.Ile2664=; no amino-acid change (isoleucine 2664 retained).
Molecular consequence: synonymous variant.
Genome position (GRCh38, 1-based): chr13:32,363,194, T>A. VCF-style: chr13-32363194-T-A. GRCh37 (hg19) VCF-style: chr13-32937331-T-A.
Other names: p.I2664I:ATT>ATA; p.Ile2664=.
Identifiers: ClinVar variation 52463 (VCV000052463.45), dbSNP rs80359800, ClinGen allele CA025387.
Genomic context (GRCh38, chr13:32,363,194, plus strand): 5'-TAGAGTCACACTTCCTAAAATATGCATTTTTGTTTTCACTTTTAGATATGATACGGAAAT[T>A]GATAGAAGCAGAAGATCGGCTATAAAAAAGATAATGGAAAGGGATGACACAGCTGCAAAA-3'
Protein context (NP_000050.3, residues 2654-2674): LQLKYRYDTE[Ile2664=]DRSRRSAIKK

ClinVar aggregate classification (germline): Likely benign. Review status: reviewed by expert panel (3 of 4 stars). 18 submissions from 18 submitters: Likely benign (1). 17 of the submissions do not count toward it. Last evaluated 2017-06-29.

Conditions:
BRCA2-related disorder. Also called: BRCA2-related condition; BRCA2-related disorders. Identifiers: MedGen CN239275.
Hereditary cancer-predisposing syndrome. Also called: Hereditary Cancer Syndrome; Tumor predisposition; Neoplastic Syndromes, Hereditary; Hereditary neoplastic syndrome. Identifiers: Orphanet 140162, MedGen C0027672, MeSH D009386, MONDO:0015356.
Breast and/or ovarian cancer. Identifiers: MedGen CN221562.
Breast-ovarian cancer, familial, susceptibility to, 2 (BROVCA2). Also called: BRCA2 Hereditary Breast and Ovarian Cancer. Identifiers: Orphanet 145, MedGen C2675520, MONDO:0012933, OMIM 612555. Disease mechanism: loss of function.
Hereditary breast ovarian cancer syndrome. Also called: Breast and ovarian cancer; BRCA1- and BRCA2-Associated Hereditary Breast and Ovarian Cancer; Hereditary breast and ovarian cancer; Hereditary breast and ovarian cancer syndrome (HBOC); Hereditary breast and ovarian cancer syndrome; Hereditary breast and/or ovarian cancer syndrome. Identifiers: Orphanet 145, MedGen C0677776, MeSH D061325, MONDO:0003582. Disease mechanism: loss of function.
Malignant tumor of breast. Also called: Malignant breast neoplasm; Cancer breast. Identifiers: MedGen C0006142, MONDO:0007254. Disease mechanism: loss of function.

Allele frequency attached by ClinVar (database versions not stated): 1000 Genomes Project 30x 0.00016; 1000 Genomes Project 0.00020; gnomAD 0.00001; TOPMed 0.00002; ExAC 0.00003.
gnomAD v4.1: 59 of 1,613,670 alleles (0.0037%); highest among the groups gnomAD compares: Non-Finnish European, 0.0047%; no homozygotes.

Submissions (18):

Evidence-based Network for the Interpretation of Germline Mutant Alleles (ENIGMA)
Classification: Likely benign for Breast-ovarian cancer, familial, susceptibility to, 2. Last evaluated: 2017-06-29. Review status: reviewed by expert panel. Criteria: ENIGMA BRCA1/2 Classification Criteria (2017-06-29). Collection method: curation. Allele origin: germline.
Comment: Synonymous substitution variant, with low bioinformatic likelihood to result in a splicing aberration (Splicing prior probability 0.02).

CeGaT Center for Human Genetics Tuebingen
Classification: Likely benign. Last evaluated: 2026-06-01. Review status: criteria provided, single submitter. Criteria: CeGaT Center For Human Genetics Tuebingen Variant Classification Criteria Version 2. Collection method: clinical testing. Allele origin: germline. Affected: yes. Observed: 1 variant allele. Not counted in ClinVar's aggregate classification.
Comment: BRCA2: BP4, BP7

Labcorp Genetics (formerly Invitae), Labcorp
Classification: Likely benign for Hereditary breast ovarian cancer syndrome. Last evaluated: 2026-01-20. Review status: criteria provided, single submitter. Criteria: Invitae Variant Classification Sherloc (09022015). Collection method: clinical testing. Allele origin: germline. Not counted in ClinVar's aggregate classification.

Women's Health and Genetics/Laboratory Corporation of America, LabCorp
Classification: Likely benign. Last evaluated: 2025-03-24. Review status: criteria provided, single submitter. Criteria: LabCorp Variant Classification Summary - May 2015. Collection method: clinical testing. Allele origin: germline. Not counted in ClinVar's aggregate classification.
Comment: Variant summary: BRCA2 c.7992T>A alters a conserved nucleotide resulting in a synonymous change. Consensus agreement among computation tools predict no significant impact on normal splicing. Splicing functional assays demonstrated the variant increases skipping of exon 18 (Thery_2011, Houdayer_2012, Fraile-Bethencourt_2017, Wangensteen_2019), however it is complex to interpret the role of variants with partial splicing anomalies in HBOC under the clinical perspective. The variant allele was found at a frequency of 3.2e-05 in 250460 control chromosomes (gnomAD). The available data on variant occurrences in the general population are insufficient to allow any conclusion about variant significance. c.7992T>A has been reported in the literature in an individual affected with breast cancer (Thery_2011). These data do not allow any conclusion about variant significance. At least one publication reports experimental evidence evaluating an impact HDR function, finding no deleterious effect (Mesman_2020). The following publications have been ascertained in the context of this evaluation (PMID: 22505045, 21673748, 23893897, 22962691, 26332594, 26913838, 28339459, 28758972, 31191615, 28794409, 31143303, 32398771). ClinVar contains an entry for this variant (Variation ID: 52463). Based on the evidence outlined above, the variant was classified as likely benign.

Center for Genomic Medicine, Rigshospitalet, Copenhagen University Hospital
Classification: Likely benign. Last evaluated: 2025-03-04. Review status: criteria provided, single submitter. Criteria: ACMG Guidelines, 2015. Collection method: clinical testing. Allele origin: germline. Not counted in ClinVar's aggregate classification.

Mayo Clinic Laboratories, Mayo Clinic
Classification: Uncertain significance. Last evaluated: 2022-03-07. Review status: criteria provided, single submitter. Criteria: ACMG Guidelines, 2015. Collection method: clinical testing. Allele origin: germline. Observed: 24 variant alleles. Not counted in ClinVar's aggregate classification.
Comment: BP6, BP7, PS3_supporting

Quest Diagnostics Nichols Institute San Juan Capistrano
Classification: Likely benign. Last evaluated: 2021-08-17. Review status: criteria provided, single submitter. Criteria: Quest Diagnostics criteria. Collection method: clinical testing. Allele origin: unknown. Not counted in ClinVar's aggregate classification.

Mendelics
Classification: Benign for Breast-ovarian cancer, familial, susceptibility to, 2. Last evaluated: 2019-05-28. Review status: criteria provided, single submitter. Criteria: Mendelics Assertion Criteria 2017. Collection method: clinical testing. Allele origin: unknown. Not counted in ClinVar's aggregate classification.

Ambry Genetics
Classification: Likely benign for Hereditary cancer-predisposing syndrome. Last evaluated: 2018-08-15. Review status: criteria provided, single submitter. Criteria: Ambry Variant Classification Scheme 2023. Collection method: clinical testing. Allele origin: germline. Not counted in ClinVar's aggregate classification.

GeneDx
Classification: Uncertain significance. Last evaluated: 2017-11-09. Review status: criteria provided, single submitter. Criteria: GeneDx Variant Classification (06012015). Collection method: clinical testing. Allele origin: germline. Affected: yes. Not counted in ClinVar's aggregate classification.
Comment: This variant is denoted BRCA2 c.7992T>A at the DNA level. Using alternate nomenclature, this variant would be defined as BRCA2 8220T>A. Although the variant is silent at the coding level, preserving an Isoleucine at codon 2664, it has been demonstrated to cause abnormal splicing. However, the splicing error has been characterized as having a partial, or leaky, effect, with some full length transcript also being produced (Th?ry 2011, Houdayer 2012). BRCA2 c.7992T>A has been reported in a patient with bilateral breast cancer and a family history of early onset breast cancer (Th?ry 2011). BRCA2 c.7992T>A was not observed at a significant allele frequency in large population cohorts (Lek 2016). The nucleotide which is altered, a thymine (T) at base 7992, is conserved among mammals. Based on currently available information, it is unclear whether BRCA2 c.7992T>A is pathogenic or benign. We consider it to be a variant of uncertain significance.

Color Diagnostics, LLC DBA Color Health
Classification: Likely benign for Hereditary cancer-predisposing syndrome. Last evaluated: 2015-12-04. Review status: criteria provided, single submitter. Criteria: ACMG Guidelines, 2015. Collection method: clinical testing. Allele origin: germline. Not counted in ClinVar's aggregate classification.

PreventionGenetics, part of Exact Sciences
Classification: Likely benign for BRCA2-related condition. Last evaluated: 2020-12-27. Review status: no assertion criteria provided. Collection method: clinical testing. Allele origin: germline. Not counted in ClinVar's aggregate classification.
Comment: This variant is classified as likely benign based on ACMG/AMP sequence variant interpretation guidelines (Richards et al. 2015 PMID: 25741868, with internal and published modifications).

BRCAlab, Lund University
Classification: Likely benign for Breast-ovarian cancer, familial, susceptibility to, 2. Last evaluated: 2020-03-02. Review status: no assertion criteria provided. Collection method: clinical testing. Allele origin: germline. Affected: yes. Not counted in ClinVar's aggregate classification.

King Laboratory, University of Washington
Classification: Pathogenic for Hereditary breast and ovarian cancer syndrome; Breast-ovarian cancer, familial 2. Last evaluated: 2019-09-01. Review status: no assertion criteria provided. Collection method: research. Allele origin: germline. Affected: yes. Not counted in ClinVar's aggregate classification.
Comment: Transcript analysis by cBROCA

Foulkes Cancer Genetics LDI, Lady Davis Institute for Medical Research
Classification: Uncertain significance for Breast and/or ovarian cancer. Last evaluated: 2015-08-07. Review status: no assertion criteria provided. Collection method: clinical testing. Allele origin: germline. Study: The Canadian Open Genetics Repository (COGR). Not counted in ClinVar's aggregate classification.

Clinical Genetics DNA and cytogenetics Diagnostics Lab, Erasmus MC, Erasmus Medical Center
Classification: Likely benign. Review status: no assertion criteria provided. Collection method: clinical testing. Allele origin: germline. Affected: yes. Study: VKGL Data-share Consensus. Not counted in ClinVar's aggregate classification.

Department of Pathology and Laboratory Medicine, Sinai Health System
Classification: Uncertain significance for Malignant tumor of breast. Review status: no assertion criteria provided. Collection method: clinical testing. Allele origin: unknown. Affected: yes. Observed: 6 variant alleles. Study: The Canadian Open Genetics Repository (COGR). Not counted in ClinVar's aggregate classification.
Comment: The p.Ile2664Ile has been identified in UMD (6X) and the BIC (1X) databases. It is listed in dbSNP database coming from a â€šÃ„Ãºclinical sourceâ€šÃ„Ã¹ (ID#: rs80359800) with a â€šÃ„Ãºglobal minor allele frequency of less than 0.001 (1000 genomes). This variant is not expected to have clinical significance because it does not alter an amino acid residue, however it has been suggested to induce incomplete skipping of exon 18 of BRCA2 detected by minigene and in vivo assays (Thery 2011); yet inâ€šÃ„Ã¬silico or computational prediction software (SpliceSiteFinder, MaxEntScan, NNSPLICE, GeneSplicer, HumanSpliceFinder) predicts no change in the splice site prediction score. In summary, the clinical significance of this variant cannot be determined with certainty at this time. Therefore this variant is a variant of unknown significance (VUS).

Joint Genome Diagnostic Labs from Nijmegen and Maastricht, Radboudumc and MUMC+
Classification: Likely benign. Review status: no assertion criteria provided. Collection method: clinical testing. Allele origin: germline. Affected: yes. Study: VKGL Data-share Consensus. Not counted in ClinVar's aggregate classification.

Literature cited by the submitters: PubMed 22505045 (cited by Women's Health and Genetics/Laboratory Corporation of America, LabCorp and Quest Diagnostics Nichols Institute San Juan Capistrano); PubMed 21673748 (cited by Women's Health and Genetics/Laboratory Corporation of America, LabCorp and Quest Diagnostics Nichols Institute San Juan Capistrano); PubMed 23893897 (cited by Women's Health and Genetics/Laboratory Corporation of America, LabCorp); PubMed 22962691 (cited by Women's Health and Genetics/Laboratory Corporation of America, LabCorp); PubMed 26332594 (cited by Women's Health and Genetics/Laboratory Corporation of America, LabCorp); PubMed 26913838 (cited by Women's Health and Genetics/Laboratory Corporation of America, LabCorp); PubMed 28339459 (cited by 3 submitters); PubMed 28758972 (cited by Women's Health and Genetics/Laboratory Corporation of America, LabCorp); PubMed 31191615 (cited by Women's Health and Genetics/Laboratory Corporation of America, LabCorp); PubMed 28794409 (cited by Women's Health and Genetics/Laboratory Corporation of America, LabCorp); PubMed 31143303 (cited by Women's Health and Genetics/Laboratory Corporation of America, LabCorp); PubMed 32398771 (cited by Women's Health and Genetics/Laboratory Corporation of America, LabCorp); PubMed 31843900 (cited by Quest Diagnostics Nichols Institute San Juan Capistrano and King Laboratory, University of Washington).